The following is an entry in ClinVar:

ClinVar aggregate classification (germline): Pathogenic (1 of 4 stars; one submission).

Submission:

Labcorp Genetics (formerly Invitae), Labcorp
Classification: Pathogenic. Last evaluated: 2023-11-27. Review status: criteria provided, single submitter. Criteria: Invitae Variant Classification Sherloc (09022015). Collection method: clinical testing. Allele origin: germline.
Comment: This sequence change creates a premature translational stop signal (p.Phe748Serfs*7) in the CPLANE1 gene. It is expected to result in an absent or disrupted protein product. Loss-of-function variants in CPLANE1 are known to be pathogenic (PMID: 24178751, 26092869). The frequency data for this variant in the population databases is considered unreliable, as metrics indicate poor data quality at this position in the gnomAD database. This variant has not been reported in the literature in individuals affected with CPLANE1-related conditions. ClinVar contains an entry for this variant (Variation ID: 1980105). For these reasons, this variant has been classified as Pathogenic.

Literature cited by the submitters: PubMed 24178751; PubMed 26092869.

NM_001384732.1(CPLANE1):c.2243del (p.Phe748fs)

Gene: CPLANE1 (ciliogenesis and planar polarity effector complex subunit 1; minus strand). Cytogenetic location: 5p13.2.
Variant type: Deletion.
Coding change: c.2243del on transcript NM_001384732.1 (MANE Select); coding-DNA position 2243, one base deleted (T; older notation c.2243delT).
Protein change: p.Phe748fs; shifts the reading frame from phenylalanine 748.
Molecular consequence: frameshift variant.
Genome position (GRCh38, 1-based): chr5:37,226,352, A deleted on the plus strand (T on the coding strand, the reverse complement: CPLANE1 is on the minus strand); the first of 5 consecutive A bases (chr5:37,226,352-37,226,356); deleting any one gives the same sequence. VCF-style (leftmost placement, unchanged base first): chr5-37226351-GA-G. GRCh37 (hg19) VCF-style: chr5-37226453-GA-G.
Other names: c.2243del, p.Phe748fs (NM_023073.4); short protein forms F748fs.
Identifiers: ClinVar variation 1980105 (VCV001980105.4), dbSNP rs755887339, ClinGen allele CA3239052.